The following is an entry in ClinVar:

ClinVar aggregate classification (germline): Likely pathogenic (1 of 4 stars; one submission).

Submission:

GeneDx
Classification: Likely pathogenic. Last evaluated: 2026-03-10. Review status: criteria provided, single submitter. Criteria: GeneDx Variant Classification Process June 2021. Collection method: clinical testing. Allele origin: germline.
Comment: Nonsense variant predicted to result in protein truncation or nonsense mediated decay in a gene for which loss of function is a known mechanism of disease; Not observed at significant frequency in large population cohorts (gnomAD); Has not been previously published as pathogenic or benign to our knowledge

NM_014905.5(GLS):c.637C>T (p.Gln213Ter)

Gene: GLS (glutaminase; plus strand). Cytogenetic location: 2q32.2.
Variant type: single nucleotide variant.
Coding change: c.637C>T on transcript NM_014905.5 (MANE Select); coding-DNA position 637, C replaced by T.
Protein change: p.Gln213Ter; replaces glutamine 213 with a stop codon.
Molecular consequence: nonsense.
Genome position (GRCh38, 1-based): chr2:190,900,595, C>T. VCF-style: chr2-190900595-C-T. GRCh37 (hg19) VCF-style: chr2-191765321-C-T.
Other names: c.637C>T, p.Gln213Ter (NM_001256310.2, NM_001437282.1, NM_001437283.1); short protein forms Q213*.
Identifiers: ClinVar variation 4795756 (VCV004795756.2).
Genomic context (GRCh38, chr2:190,900,595, plus strand): 5'-TTTATTAATTATCTTTTTACATTCTACAGATGTGTTCAGAGCAACATTGTTTTGTTGACA[C>T]AAGCATTTAGAAGAAAGTTTGTGATTCCTGACTTTATGTCTTTTACCTCACACATTGATG-3'